The following is an entry in ClinVar:

NM_001134363.3(RBM20):c.1881A>G (p.Arg627=)

Gene: RBM20 (RNA binding motif protein 20; plus strand). Cytogenetic location: 10q25.2.
Variant type: single nucleotide variant.
Coding change: c.1881A>G on transcript NM_001134363.3 (MANE Select); coding-DNA position 1881, A replaced by G.
Protein change: p.Arg627=; no amino-acid change (arginine 627 retained).
Molecular consequence: synonymous variant.
Genome position (GRCh38, 1-based): chr10:110,812,278, A>G. VCF-style: chr10-110812278-A-G. GRCh37 (hg19) VCF-style: chr10-112572036-A-G.
Identifiers: ClinVar variation 1409340 (VCV001409340.9), dbSNP rs1482868696, ClinGen allele CA471368022.

ClinVar aggregate classification (germline): Conflicting classifications of pathogenicity. Review status: criteria provided, conflicting classifications (1 of 4 stars). 2 submissions from 2 submitters: Uncertain significance (1); Likely benign (1). Last evaluated 2026-03-10.

Conditions:
Dilated cardiomyopathy 1DD (CMD1DD). Identifiers: Orphanet 154, MedGen C2750995, MONDO:0013168, OMIM 613172.
Cardiovascular phenotype. Identifiers: MedGen CN230736.

Allele frequency attached by ClinVar (database versions not stated): gnomAD 0.00001; TOPMed 0.00002.
gnomAD v4.1: 6 of 1,541,566 alleles (0.00039%); highest among the groups gnomAD compares: African/African-American, 0.0069%; no homozygotes.

Submissions (2):

Ambry Genetics
Classification: Likely benign for Cardiovascular phenotype. Last evaluated: 2026-03-10. Review status: criteria provided, single submitter. Criteria: Ambry Variant Classification Scheme 2023. Collection method: clinical testing. Allele origin: germline.

Labcorp Genetics (formerly Invitae), Labcorp
Classification: Uncertain significance for Dilated cardiomyopathy 1DD. Last evaluated: 2024-04-03. Review status: criteria provided, single submitter. Criteria: Invitae Variant Classification Sherloc (09022015). Collection method: clinical testing. Allele origin: germline.
Comment: This sequence change affects codon 627 of the RBM20 mRNA. It is a 'silent' change, meaning that it does not change the encoded amino acid sequence of the RBM20 protein. It affects a nucleotide within the consensus splice site. This variant is present in population databases (no rsID available, gnomAD 0.01%). This variant has not been reported in the literature in individuals affected with RBM20-related conditions. ClinVar contains an entry for this variant (Variation ID: 1409340). Algorithms developed to predict the effect of sequence changes on RNA splicing suggest that this variant is not likely to affect RNA splicing. In summary, the available evidence is currently insufficient to determine the role of this variant in disease. Therefore, it has been classified as a Variant of Uncertain Significance.